The following is an entry in ClinVar:

NM_003482.4(KMT2D):c.12964C>T (p.Gln4322Ter)

Gene: KMT2D (lysine methyltransferase 2D; minus strand). Cytogenetic location: 12q13.12.
Variant type: single nucleotide variant.
Coding change: c.12964C>T on transcript NM_003482.4 (MANE Select); coding-DNA position 12964, C replaced by T.
Protein change: p.Gln4322Ter; replaces glutamine 4322 with a stop codon.
Molecular consequence: nonsense.
Genome position (GRCh38, 1-based): chr12:49,031,741, G>A on the plus strand (C>T on the coding strand, the complement: KMT2D is on the minus strand). VCF-style: chr12-49031741-G-A. GRCh37 (hg19) VCF-style: chr12-49425524-G-A.
Other names: short protein forms Q4322*.
Identifiers: ClinVar variation 1459971 (VCV001459971.6), dbSNP rs376217891, ClinGen allele CA384708268.
Genomic context (GRCh38, chr12:49,031,741, plus strand): 5'-CTGGATGGGTGGGAGGGAGCTGGGCCTCAGTGGGAAGCTGGGAGCTGGGGGAAGGTAATT[G>A]TGAAGGTCTCTTTGGCTCTTGAGGGCTGGATGGTGGAGGTGTGGGATGGACAGGGCCAAG-3'

ClinVar aggregate classification (germline): Pathogenic (1 of 4 stars; one submission).

Conditions:
Kabuki syndrome. Also called: Kabuki make-up syndrome; NIIKAWA-KUROKI SYNDROME. Identifiers: Orphanet 2322, MedGen C0796004, MONDO:0016512.

Submission:

Labcorp Genetics (formerly Invitae), Labcorp
Classification: Pathogenic for Kabuki syndrome. Last evaluated: 2021-08-28. Review status: criteria provided, single submitter. Criteria: Invitae Variant Classification Sherloc (09022015). Collection method: clinical testing. Allele origin: germline.
Comment: This sequence change creates a premature translational stop signal (p.Gln4322*) in the KMT2D gene. It is expected to result in an absent or disrupted protein product. Loss-of-function variants in KMT2D are known to be pathogenic (PMID: 22126750). This variant is not present in population databases (ExAC no frequency). This premature translational stop signal has been observed in individual(s) with Kabuki syndrome (PMID: 24311525, 27302555). For these reasons, this variant has been classified as Pathogenic.

Literature cited by the submitters: PubMed 22126750; PubMed 24311525; PubMed 27302555.